The following is an entry in ClinVar:

ClinVar aggregate classification (germline): Uncertain significance (1 of 4 stars; one submission).

Submission:

Labcorp Genetics (formerly Invitae), Labcorp
Classification: Uncertain significance. Last evaluated: 2025-09-19. Review status: criteria provided, single submitter. Criteria: Invitae Variant Classification Sherloc (09022015). Collection method: clinical testing. Allele origin: germline.
Comment: This sequence change replaces glycine, which is neutral and non-polar, with arginine, which is basic and polar, at codon 303 of the DHX32 protein (p.Gly303Arg). This variant is present in population databases (rs377656567, gnomAD 0.0009%). This variant has not been reported in the literature in individuals affected with DHX32-related conditions. An algorithm developed to predict the effect of missense changes on protein structure and function (PolyPhen-2) suggests that this variant is likely to be disruptive. In summary, the available evidence is currently insufficient to determine the role of this variant in disease. Therefore, it has been classified as a Variant of Uncertain Significance.

NM_018180.3(DHX32):c.907G>A (p.Gly303Arg)

Gene: DHX32 (DEAH-box helicase 32 (putative); minus strand). Cytogenetic location: 10q26.2.
Variant type: single nucleotide variant.
Coding change: c.907G>A on transcript NM_018180.3 (MANE Select); coding-DNA position 907, G replaced by A.
Protein change: p.Gly303Arg; replaces glycine 303 with arginine.
Molecular consequence: missense variant.
Genome position (GRCh38, 1-based): chr10:125,854,146, C>T on the plus strand (G>A on the coding strand, the complement: DHX32 is on the minus strand). VCF-style: chr10-125854146-C-T. GRCh37 (hg19) VCF-style: chr10-127542715-C-T.
Other names: short protein forms G303R.
Identifiers: ClinVar variation 4702898 (VCV004702898.1).
Genomic context (GRCh38, chr10:125,854,146, plus strand): 5'-CGAGTGGCTTGAACAATGAACATTTCTCTTTTGGATACAAAGGAACAACCACCAGTTCTC[C>T]AAGATCTGGGTTTAGGTTAGATCCTTGATAGACAGTTTCACAGACTTTCTCAATATCCTA-3'
Protein context (NP_060650.2, residues 293-313): YQGSNLNPDL[Gly303Arg]ELVVVPLYPK